The following is an entry in ClinVar:

ClinVar aggregate classification (germline): Uncertain significance. Review status: criteria provided, multiple submitters, no conflicts (2 of 4 stars). 2 submissions from 2 submitters: Uncertain significance (2). Last evaluated 2025-05-19.

Conditions:
Inborn genetic diseases. Identifiers: MedGen C0950123, MeSH D030342.

Allele frequency attached by ClinVar (database versions not stated): gnomAD exomes 0.00001; TOPMed 0.00002; gnomAD 0.00003.
gnomAD v4.1: 26 of 1,613,338 alleles (0.0016%); highest among the groups gnomAD compares: South Asian, 0.0088%; no homozygotes.

Submissions (2):

Labcorp Genetics (formerly Invitae), Labcorp
Classification: Uncertain significance. Last evaluated: 2025-05-19. Review status: criteria provided, single submitter. Criteria: Invitae Variant Classification Sherloc (09022015). Collection method: clinical testing. Allele origin: germline.
Comment: This sequence change replaces arginine, which is basic and polar, with glutamine, which is neutral and polar, at codon 4044 of the PCLO protein (p.Arg4044Gln). This variant is present in population databases (no rsID available, gnomAD 0.006%). This variant has not been reported in the literature in individuals affected with PCLO-related conditions. ClinVar contains an entry for this variant (Variation ID: 3210253). Experimental studies and prediction algorithms are not available or were not evaluated, and the functional significance of this variant is currently unknown. In summary, the available evidence is currently insufficient to determine the role of this variant in disease. Therefore, it has been classified as a Variant of Uncertain Significance.

Ambry Genetics
Classification: Uncertain significance for Inborn genetic diseases. Last evaluated: 2023-10-03. Review status: criteria provided, single submitter. Criteria: Ambry Variant Classification Scheme 2023. Collection method: clinical testing. Allele origin: germline.

NM_033026.6(PCLO):c.12131G>A (p.Arg4044Gln)

Gene: PCLO (piccolo presynaptic cytomatrix protein; minus strand). Cytogenetic location: 7q21.11.
Variant type: single nucleotide variant.
Coding change: c.12131G>A on transcript NM_033026.6 (MANE Select); coding-DNA position 12131, G replaced by A.
Protein change: p.Arg4044Gln; replaces arginine 4044 with glutamine.
Molecular consequence: missense variant.
Genome position (GRCh38, 1-based): chr7:82,915,855, C>T on the plus strand (G>A on the coding strand, the complement: PCLO is on the minus strand). VCF-style: chr7-82915855-C-T. GRCh37 (hg19) VCF-style: chr7-82545171-C-T.
Other names: c.12131G>A, p.Arg4044Gln (NM_014510.3); short protein forms R4044Q.
Identifiers: ClinVar variation 3210253 (VCV003210253.2), dbSNP rs1271626427, ClinGen allele CA367890133.